The following is an entry in ClinVar:

NM_000135.4(FANCA):c.1759C>G (p.Leu587Val)

Gene: FANCA (FA complementation group A; minus strand). Cytogenetic location: 16q24.3.
Variant type: single nucleotide variant.
Coding change: c.1759C>G on transcript NM_000135.4 (MANE Select); coding-DNA position 1759, C replaced by G.
Protein change: p.Leu587Val; replaces leucine 587 with valine.
Molecular consequence: missense variant.
Genome position (GRCh38, 1-based): chr16:89,778,960, G>C on the plus strand (C>G on the coding strand, the complement: FANCA is on the minus strand). VCF-style: chr16-89778960-G-C. GRCh37 (hg19) VCF-style: chr16-89845368-G-C.
Other names: c.1759C>G, p.Leu587Val (NM_001286167.3); short protein forms L587V.
Identifiers: ClinVar variation 4824590 (VCV004824590.1).

ClinVar aggregate classification (germline): Uncertain significance (1 of 4 stars; one submission).

Conditions:
Inborn genetic diseases. Identifiers: MedGen C0950123, MeSH D030342.

gnomAD v4.1: 1 of 1,614,156 alleles (0.000062%); highest among the groups gnomAD compares: East Asian, 0.0022%; no homozygotes.

Submission:

Ambry Genetics
Classification: Uncertain significance for Inborn genetic diseases. Last evaluated: 2026-01-24. Review status: criteria provided, single submitter. Criteria: Ambry Variant Classification Scheme 2023. Collection method: clinical testing. Allele origin: germline.
Comment: The p.L587V variant (also known as c.1759C>G), located in coding exon 19 of the FANCA gene, results from a C to G substitution at nucleotide position 1759. The leucine at codon 587 is replaced by valine, an amino acid with highly similar properties. This amino acid position is conserved. In addition, this alteration is predicted to be deleterious by in silico analysis. Based on the available evidence, the clinical significance of this variant remains unclear.